The following is an entry in ClinVar:

NM_006015.6(ARID1A):c.1712C>T (p.Ser571Leu)

Gene: ARID1A (AT-rich interaction domain 1A; plus strand). Cytogenetic location: 1p36.11.
Variant type: single nucleotide variant.
Coding change: c.1712C>T on transcript NM_006015.6 (MANE Select); coding-DNA position 1712, C replaced by T.
Protein change: p.Ser571Leu; replaces serine 571 with leucine.
Molecular consequence: missense variant.
Genome position (GRCh38, 1-based): chr1:26,731,513, C>T. VCF-style: chr1-26731513-C-T. GRCh37 (hg19) VCF-style: chr1-27058004-C-T.
Other names: c.1712C>T, p.Ser571Leu (NM_139135.4); short protein forms S571L.
Identifiers: ClinVar variation 1028989 (VCV001028989.5), dbSNP rs969170076, ClinGen allele CA19669096.

ClinVar aggregate classification (germline): Uncertain significance. Review status: criteria provided, multiple submitters, no conflicts (2 of 4 stars). 3 submissions from 3 submitters: Uncertain significance (3). Last evaluated 2025-09-22.

Conditions:
Intellectual disability, autosomal dominant 14 (CSS2). Also called: COFFIN-SIRIS SYNDROME 2. Identifiers: Orphanet 1465, MedGen C3553247, MONDO:0013819, OMIM 614607.
ARID1A-related disorder. Also called: ARID1A-related condition.

Allele frequency attached by ClinVar (database versions not stated): gnomAD exomes below 0.00001; gnomAD 0.00002; TOPMed 0.00002.
gnomAD v4.1: 4 of 1,613,984 alleles (0.00025%); highest among the groups gnomAD compares: African/African-American, 0.004%; no homozygotes.

Submissions (3):

PreventionGenetics, part of Exact Sciences
Classification: Uncertain significance for ARID1A-related condition. Last evaluated: 2025-09-22. Review status: criteria provided, single submitter. Criteria: ACMG Guidelines, 2015. Collection method: clinical testing. Allele origin: germline.
Comment: The ARID1A c.1712C>T variant is predicted to result in the amino acid substitution p.Ser571Leu. This variant has been reported in individual(s) with myelomeningocele, as well as additional variants identified in other genes (Table S3, Au et al. 2021. PubMed ID: 33574475). This variant has not been reported in a large population database, indicating this variant is rare. At this time, the clinical significance of this variant is uncertain due to the absence of conclusive functional and genetic evidence.

Fulgent Genetics
Classification: Uncertain significance for Intellectual disability, autosomal dominant 14. Last evaluated: 2021-11-29. Review status: criteria provided, single submitter. Criteria: ACMG Guidelines, 2015. Collection method: clinical testing. Allele origin: unknown.

Baylor Genetics
Classification: Uncertain significance for Intellectual disability, autosomal dominant 14. Last evaluated: 2020-08-03. Review status: criteria provided, single submitter. Criteria: ACMG Guidelines, 2015. Collection method: clinical testing. Allele origin: unknown. Affected: yes.
Comment: This variant was determined to be of uncertain significance according to ACMG Guidelines, 2015 [PMID:25741868].